The following is an entry in ClinVar:

NM_004827.3(ABCG2):c.421C>A (p.Gln141Lys)

Gene: ABCG2 (ATP binding cassette subfamily G member 2 (JR blood group); minus strand). Cytogenetic location: 4q22.1.
Variant type: single nucleotide variant.
Coding change: c.421C>A on transcript NM_004827.3 (MANE Select); coding-DNA position 421, C replaced by A.
Protein change: p.Gln141Lys; replaces glutamine 141 with lysine.
Molecular consequence: missense variant.
Genome position (GRCh38, 1-based): chr4:88,131,171, G>T on the plus strand (C>A on the coding strand, the complement: ABCG2 is on the minus strand). VCF-style: chr4-88131171-G-T. GRCh37 (hg19) VCF-style: chr4-89052323-G-T.
Other names: ABCG2, GLN141LYS (rs2231142); c.421C>A, p.Gln141Lys (NM_001257386.2, NM_001348985.1, NM_001348986.2 and 3 more transcripts); short protein forms Q141K.
Identifiers: ClinVar variation 30389 (VCV000030389.8), dbSNP rs2231142, ClinGen allele CA129179.

ClinVar aggregate classification (germline): drug response. Review status: reviewed by expert panel (3 of 4 stars). 6 submissions from 4 submitters: drug response (2). 4 of the submissions do not count toward it. Last evaluated 2021-03-24.

Conditions:
ABCG2-related disorder. Also called: ABCG2-related condition.
URIC ACID CONCENTRATION, SERUM, QUANTITATIVE TRAIT LOCUS 1 (UAQTL1). Also called: GOUT SUSCEPTIBILITY 1. Identifiers: MedGen C1841837, OMIM 138900.
BLOOD GROUP, JUNIOR SYSTEM (JR). Also called: JUNIOR BLOOD GROUP SYSTEM, JR(a-) PHENOTYPE. Identifiers: MedGen C3280986, OMIM 614490.
Gemcitabine response. Also called: Gemzar response. Identifiers: MedGen CN188728.
rosuvastatin response - Efficacy.
rosuvastatin response - Metabolism/PK.

Allele frequency attached by ClinVar (database versions not stated): ESP Exome Variant Server 0.08450; gnomAD 0.09384; TOPMed 0.09869; gnomAD exomes 0.11369 and 0.12465; 1000 Genomes Project 30x 0.11430; ExAC 0.11802; 1000 Genomes Project 0.11941.
gnomAD v4.1: 180,512 of 1,613,854 alleles (11%); highest among the groups gnomAD compares: East Asian, 30%; 12,079 homozygotes.

Submissions (6):

ClinPGx
Classification: drug response for rosuvastatin response - Efficacy. Last evaluated: 2021-03-24. Review status: reviewed by expert panel. Criteria: Pharmacogenomics knowledge for personalized medicine. Collection method: curation. Allele origin: germline. Affected: yes.
Comment: PharmGKB Level of Evidence 2A: Variants in Level 2A clinical annotations are found in PharmGKB’s Tier 1 Very Important Pharmacogenes (VIPs). These variants are in known pharmacogenes, implying causation of drug phenotype is more likely. These clinical annotations describe variant-drug combinations with a moderate level of evidence supporting the association. For example, the association may be found in multiple cohorts, but there may be a minority of studies that do not support the majority assertion. Level 2A clinical annotations must be supported by at least two independent publications.

Drug is not necessarily used to treat response condition

ClinPGx
Classification: drug response for rosuvastatin response - Metabolism/PK. Last evaluated: 2021-03-24. Review status: reviewed by expert panel. Criteria: Pharmacogenomics knowledge for personalized medicine. Collection method: curation. Allele origin: germline. Affected: yes.
Comment: PharmGKB Level of Evidence 2A: Variants in Level 2A clinical annotations are found in PharmGKB’s Tier 1 Very Important Pharmacogenes (VIPs). These variants are in known pharmacogenes, implying causation of drug phenotype is more likely. These clinical annotations describe variant-drug combinations with a moderate level of evidence supporting the association. For example, the association may be found in multiple cohorts, but there may be a minority of studies that do not support the majority assertion. Level 2A clinical annotations must be supported by at least two independent publications.

Bioinformatics Institute, Agency for Science, Technology and Research
Classification: drug response for Gemcitabine response. Last evaluated: 2017-01-01. Review status: criteria provided, single submitter. Criteria: Limviphuvadh et al. (BMC Cancer 2018). Collection method: research. Allele origin: germline. Affected: yes. Not counted in ClinVar's aggregate classification.
Comment: ABCG2 Q141K is associated with increased survival and also corelated with gemcitabine cytotoxicity in a Singaporean NSCLC patient cohort treated with gemcitabine-based chemotherapy

PreventionGenetics, part of Exact Sciences
Classification: Benign for ABCG2-related condition. Last evaluated: 2019-11-18. Review status: no assertion criteria provided. Collection method: clinical testing. Allele origin: germline. Not counted in ClinVar's aggregate classification.
Comment: This variant is classified as benign based on ACMG/AMP sequence variant interpretation guidelines (Richards et al. 2015 PMID: 25741868, with internal and published modifications).

OMIM
Classification: association for JUNIOR BLOOD GROUP SYSTEM, JR(a-) PHENOTYPE. Last evaluated: 2013-03-18. Review status: no assertion criteria provided. Collection method: literature only. Allele origin: germline. Not counted in ClinVar's aggregate classification.

OMIM
Classification: association for URIC ACID CONCENTRATION, SERUM, QUANTITATIVE TRAIT LOCUS 1. Last evaluated: 2009-11-04. Review status: no assertion criteria provided. Collection method: literature only. Allele origin: germline. Not counted in ClinVar's aggregate classification.

Literature cited by the submitters: PubMed 20130569 (cited by ClinPGx); PubMed 20207952 (cited by ClinPGx); PubMed 20679960 (cited by ClinPGx); PubMed 23930675 (cited by ClinPGx); PubMed 16784736 (cited by ClinPGx); PubMed 19474787 (cited by ClinPGx); PubMed 23876492 (cited by ClinPGx); PubMed 25630984 (cited by ClinPGx); PubMed 28322941 (cited by ClinPGx); PubMed 29950617 (cited by ClinPGx); PubMed 31857620 (cited by ClinPGx); PubMed 32361904 (cited by ClinPGx); PubMed 18834626 (cited by OMIM); PubMed 19506252 (cited by OMIM); PubMed 20368174 (cited by OMIM); PubMed 16702730 (cited by OMIM).